The following is an entry in ClinVar:

NM_207361.6(FREM2):c.2133G>A (p.Met711Ile)

Gene: FREM2 (FRAS1 related extracellular matrix 2; plus strand). Cytogenetic location: 13q13.3.
Variant type: single nucleotide variant.
Coding change: c.2133G>A on transcript NM_207361.6 (MANE Select); coding-DNA position 2133, G replaced by A.
Protein change: p.Met711Ile; replaces methionine 711 with isoleucine.
Molecular consequence: missense variant.
Genome position (GRCh38, 1-based): chr13:38,689,477, G>A. VCF-style: chr13-38689477-G-A. GRCh37 (hg19) VCF-style: chr13-39263614-G-A.
Other names: short protein forms M711I.
Identifiers: ClinVar variation 287581 (VCV000287581.23), dbSNP rs115446826, ClinGen allele CA6954549.

ClinVar aggregate classification (germline): Conflicting classifications of pathogenicity. Review status: criteria provided, conflicting classifications (1 of 4 stars). 6 submissions from 6 submitters: Uncertain significance (1); Benign (1); Likely benign (3). 1 of the submissions does not count toward it. Last evaluated 2026-01-30.

Conditions:
Fraser syndrome 2 (FRASRS2). Identifiers: MedGen C4540036, MONDO:0054738, OMIM 617666.
FREM2-related disorder. Also called: FREM2-related condition.

Allele frequency attached by ClinVar (database versions not stated): gnomAD exomes 0.00018 and 0.00052; ExAC 0.00064; TOPMed 0.00250; 1000 Genomes Project 0.00260; ESP Exome Variant Server 0.00269; 1000 Genomes Project 30x 0.00281.
gnomAD v4.1: 607 of 1,614,032 alleles (0.038%); highest among the groups gnomAD compares: African/African-American, 0.71%; 1 homozygote.

Submissions (6):

Labcorp Genetics (formerly Invitae), Labcorp
Classification: Likely benign. Last evaluated: 2026-01-30. Review status: criteria provided, single submitter. Criteria: Invitae Variant Classification Sherloc (09022015). Collection method: clinical testing. Allele origin: germline.

GeneDx
Classification: Uncertain significance. Last evaluated: 2024-05-29. Review status: criteria provided, single submitter. Criteria: GeneDx Variant Classification Process June 2021. Collection method: clinical testing. Allele origin: germline. Affected: yes.
Comment: Identified with other FREM2 variants in a patient with focal segmental glomerulosclerosis in the published literature, but it is not known whether the variants occurred on the same (in cis) or on different (in trans) chromosomes (PMID: 31308072); In silico analysis supports that this missense variant has a deleterious effect on protein structure/function; This variant is associated with the following publications: (PMID: 31308072)

Illumina Laboratory Services, Illumina
Classification: Likely benign for Fraser syndrome 2. Last evaluated: 2018-01-13. Review status: criteria provided, single submitter. Criteria: ICSL Variant Classification Criteria 13 December 2019. Collection method: clinical testing. Allele origin: germline.
Comment: This variant was observed in the ICSL laboratory as part of a predisposition screen in an ostensibly healthy population. It had not been previously curated by ICSL or reported in the Human Gene Mutation Database (HGMD: prior to June 1st, 2018), and was therefore a candidate for classification through an automated scoring system. Utilizing variant allele frequency, disease prevalence and penetrance estimates, and inheritance mode, an automated score was calculated to assess if this variant is too frequent to cause the disease. Based on the score and internal cut-off values, a variant classified as likely benign is not then subjected to further curation. The score for this variant resulted in a classification of likely benign for this disease.

Eurofins Ntd Llc (ga)
Classification: Benign. Last evaluated: 2016-05-23. Review status: criteria provided, single submitter. Criteria: EGL Classification Definitions 2015. Collection method: clinical testing. Allele origin: germline. Observed: 1 variant allele, 1 heterozygote.

Breakthrough Genomics
Classification: Likely benign. Review status: criteria provided, single submitter. Criteria: ACMG Guidelines, 2015. Collection method: not provided. Allele origin: germline. Inheritance: Autosomal recessive inheritance. Affected: yes.

PreventionGenetics, part of Exact Sciences
Classification: Benign for FREM2-related condition. Last evaluated: 2019-12-19. Review status: no assertion criteria provided. Collection method: clinical testing. Allele origin: germline. Not counted in ClinVar's aggregate classification.
Comment: This variant is classified as benign based on ACMG/AMP sequence variant interpretation guidelines (Richards et al. 2015 PMID: 25741868, with internal and published modifications).